The following is an entry in ClinVar:

NM_001349338.3(FOXP1):c.125C>T (p.Pro42Leu)

Gene: FOXP1 (forkhead box P1; minus strand). Cytogenetic location: 3p13.
Variant type: single nucleotide variant.
Coding change: c.125C>T on transcript NM_001349338.3 (MANE Select); coding-DNA position 125, C replaced by T.
Protein change: p.Pro42Leu; replaces proline 42 with leucine.
Molecular consequence: missense variant. On other transcripts: non-coding transcript variant (2).
Genome position (GRCh38, 1-based): chr3:71,198,257, G>A on the plus strand (C>T on the coding strand, the complement: FOXP1 is on the minus strand). VCF-style: chr3-71198257-G-A. GRCh37 (hg19) VCF-style: chr3-71247408-G-A.
Other names: c.125C>T, p.Pro42Leu (NM_001012505.2, NM_001244808.3, NM_001244810.2 and 7 more transcripts); short protein forms P42L.
Identifiers: ClinVar variation 2069247 (VCV002069247.5), dbSNP rs766294895, ClinGen allele CA2491453.

ClinVar aggregate classification (germline): Uncertain significance. Review status: criteria provided, multiple submitters, no conflicts (2 of 4 stars). 2 submissions from 2 submitters: Uncertain significance (2). Last evaluated 2025-11-24.

Allele frequency attached by ClinVar (database versions not stated): ExAC 0.00001.

Submissions (2):

Labcorp Genetics (formerly Invitae), Labcorp
Classification: Uncertain significance. Last evaluated: 2025-11-24. Review status: criteria provided, single submitter. Criteria: Invitae Variant Classification Sherloc (09022015). Collection method: clinical testing. Allele origin: germline.
Comment: This sequence change replaces proline, which is neutral and non-polar, with leucine, which is neutral and non-polar, at codon 42 of the FOXP1 protein (p.Pro42Leu). This variant is present in population databases (rs766294895, gnomAD 0.006%). This variant has not been reported in the literature in individuals affected with FOXP1-related conditions. ClinVar contains an entry for this variant (Variation ID: 2069247). Invitae Evidence Modeling of protein sequence and biophysical properties (such as structural, functional, and spatial information, amino acid conservation, physicochemical variation, residue mobility, and thermodynamic stability) has been performed for this missense variant. However, the output from this modeling did not meet the statistical confidence thresholds required to predict the impact of this variant on FOXP1 protein function. In summary, the available evidence is currently insufficient to determine the role of this variant in disease. Therefore, it has been classified as a Variant of Uncertain Significance.

Blueprint Genetics
Classification: Uncertain significance. Last evaluated: 2019-09-20. Review status: criteria provided, single submitter. Criteria: ACMG Guidelines, 2015. Collection method: clinical testing. Allele origin: germline.